The following is an entry in ClinVar:

NM_001048174.2(MUTYH):c.1205_1219del (p.Pro402_Thr406del)

Gene: MUTYH (mutY DNA glycosylase; minus strand). Cytogenetic location: 1p34.1.
Variant type: Deletion.
Coding change: c.1205_1219del on transcript NM_001048174.2 (MANE Select); coding-DNA positions 1205 to 1219, 15 bases deleted (CCCTCCCAGCCACGC).
Protein change: p.Pro402_Thr406del.
Molecular consequence: inframe deletion. On other transcripts: non-coding transcript variant (7).
Genome position (GRCh38, 1-based): chr1:45,331,440-45,331,454, GCGTGGCTGGGAGGG deleted on the plus strand (CCCTCCCAGCCACGC on the coding strand, the reverse complement: MUTYH is on the minus strand); deleting any 15 consecutive bases within chr1:45,331,440-45,331,456 gives the same sequence; the c. name uses the placement nearest the transcript's 3' end. VCF-style (leftmost placement, unchanged base first): chr1-45331439-TGCGTGGCTGGGAGGG-T. GRCh37 (hg19) VCF-style: chr1-45797111-TGCGTGGCTGGGAGGG-T.
Other names: c.1205_1219del, p.Pro402_Thr406del (NM_001048171.2, NM_001048173.2, NM_001293195.2 and 6 more transcripts); c.1208_1222del, p.Pro403_Thr407del (NM_001048172.2, NM_001407071.1, NM_001407078.1 and 1 more transcripts); c.1289_1303del, p.Pro430_Thr434del (NM_001128425.2); c.1250_1264del, p.Pro417_Thr421del (NM_001293190.2); c.1238_1252del, p.Pro413_Thr417del (NM_001293191.2, NM_001407069.1, NM_001407077.1); c.929_943del, p.Pro310_Thr314del (NM_001293192.2, NM_001293196.2, NM_001407091.1); c.860_874del, p.Pro287_Thr291del (NM_001350650.2, NM_001350651.2, NM_001407082.1); c.1121_1135del, p.Pro374_Thr378del (NM_001407075.1); and 6 more.
Identifiers: ClinVar variation 2773681 (VCV002773681.4), dbSNP rs2523946956, ClinGen allele CA2697552381.

ClinVar aggregate classification (germline): Uncertain significance. Review status: criteria provided, multiple submitters, no conflicts (2 of 4 stars). 3 submissions from 3 submitters: Uncertain significance (3). Last evaluated 2026-01-07.

Conditions:
Hereditary cancer-predisposing syndrome. Also called: Neoplastic Syndromes, Hereditary; Hereditary neoplastic syndrome; Hereditary Cancer Syndrome; Tumor predisposition. Identifiers: Orphanet 140162, MedGen C0027672, MeSH D009386, MONDO:0015356.
Familial adenomatous polyposis 2. Also called: MUTYH-related attenuated familial adenomatous polyposis; COLORECTAL ADENOMATOUS POLYPOSIS, AUTOSOMAL RECESSIVE; ADENOMAS, MULTIPLE COLORECTAL, AUTOSOMAL RECESSIVE; MYH-associated polyposis; MUTYH-associated polyposis; MUTYH Polyposis. Identifiers: Orphanet 220460, Orphanet 247798, MedGen C3272841, MONDO:0012041, OMIM 608456.

Submissions (3):

Ambry Genetics
Classification: Uncertain significance for Hereditary cancer-predisposing syndrome. Last evaluated: 2026-01-07. Review status: criteria provided, single submitter. Criteria: Ambry Variant Classification Scheme 2023. Collection method: clinical testing. Allele origin: germline.
Comment: The c.1289_1303del15 variant (also known as p.P430_T434del) is located in coding exon 13 of the MUTYH gene. This variant results from an in-frame CCCTCCCAGCCACGC deletion at nucleotide positions 1289 to 1303. This results in the in-frame deletion of five amino acids at codon 430. This amino acid region is not well conserved in available vertebrate species. In addition, this variant is predicted to be deleterious by in silico analysis (Choi Y et al. PLoS ONE. 2012; 7(10):e46688). Based on the available evidence, the clinical significance of this variant remains unclear.

Labcorp Genetics (formerly Invitae), Labcorp
Classification: Uncertain significance for Familial adenomatous polyposis 2. Last evaluated: 2025-05-04. Review status: criteria provided, single submitter. Criteria: Invitae Variant Classification Sherloc (09022015). Collection method: clinical testing. Allele origin: germline.
Comment: This variant, c.1289_1303del, results in the deletion of 5 amino acid(s) of the MUTYH protein (p.Pro430_Thr434del), but otherwise preserves the integrity of the reading frame. This variant is not present in population databases (gnomAD no frequency). This variant has not been reported in the literature in individuals affected with MUTYH-related conditions. ClinVar contains an entry for this variant (Variation ID: 2773681). Experimental studies and prediction algorithms are not available or were not evaluated, and the functional significance of this variant is currently unknown. In summary, the available evidence is currently insufficient to determine the role of this variant in disease. Therefore, it has been classified as a Variant of Uncertain Significance.

Color Diagnostics, LLC DBA Color Health
Classification: Uncertain significance for Hereditary cancer-predisposing syndrome. Last evaluated: 2023-03-07. Review status: criteria provided, single submitter. Criteria: ACMG Guidelines, 2015. Collection method: clinical testing. Allele origin: germline.
Comment: This variant results in an in-frame deletion of five amino acids in the MUTYH protein. To our knowledge, functional studies have not been reported for this variant. This variant has not been reported in individuals affected with MUTYH-related disorders in the literature. This variant has not been identified in the general population by the Genome Aggregation Database (gnomAD). The available evidence is insufficient to determine the role of this variant in disease conclusively. Therefore, this variant is classified as a Variant of Uncertain Significance.